The following is an entry in ClinVar:

ClinVar aggregate classification (germline): Uncertain significance. Review status: criteria provided, multiple submitters, no conflicts (2 of 4 stars). 3 submissions from 3 submitters: Uncertain significance (3). Last evaluated 2024-04-05.

Conditions:
Hereditary cancer-predisposing syndrome. Also called: Hereditary neoplastic syndrome; Neoplastic Syndromes, Hereditary; Tumor predisposition; Hereditary Cancer Syndrome. Identifiers: Orphanet 140162, MedGen C0027672, MeSH D009386, MONDO:0015356.
Hereditary nonpolyposis colorectal neoplasms. Identifiers: MedGen C0009405, MeSH D003123.

Submissions (3):

Labcorp Genetics (formerly Invitae), Labcorp
Classification: Uncertain significance for Hereditary nonpolyposis colorectal neoplasms. Last evaluated: 2024-04-05. Review status: criteria provided, single submitter. Criteria: Invitae Variant Classification Sherloc (09022015). Collection method: clinical testing. Allele origin: germline.
Comment: This sequence change replaces glutamine, which is neutral and polar, with glutamic acid, which is acidic and polar, at codon 232 of the MSH6 protein (p.Gln232Glu). This variant is not present in population databases (gnomAD no frequency). This variant has not been reported in the literature in individuals affected with MSH6-related conditions. ClinVar contains an entry for this variant (Variation ID: 1510444). Advanced modeling of protein sequence and biophysical properties (such as structural, functional, and spatial information, amino acid conservation, physicochemical variation, residue mobility, and thermodynamic stability) performed at Invitae indicates that this missense variant is not expected to disrupt MSH6 protein function with a negative predictive value of 95%. In summary, the available evidence is currently insufficient to determine the role of this variant in disease. Therefore, it has been classified as a Variant of Uncertain Significance.

Ambry Genetics
Classification: Uncertain significance for Hereditary cancer-predisposing syndrome. Last evaluated: 2022-12-21. Review status: criteria provided, single submitter. Criteria: Ambry Variant Classification Scheme 2023. Collection method: clinical testing. Allele origin: germline.
Comment: The p.Q232E variant (also known as c.694C>G), located in coding exon 4 of the MSH6 gene, results from a C to G substitution at nucleotide position 694. The glutamine at codon 232 is replaced by glutamic acid, an amino acid with highly similar properties. This amino acid position is poorly conserved in available vertebrate species. In addition, this alteration is predicted to be tolerated by in silico analysis. Since supporting evidence is limited at this time, the clinical significance of this alteration remains unclear.

Sema4
Classification: Uncertain significance for Hereditary cancer-predisposing syndrome. Last evaluated: 2021-11-23. Review status: criteria provided, single submitter. Criteria: Sema4 Curation Guidelines. Collection method: curation. Allele origin: germline.
Comment: The MSH6 c.694C>G (p.Q232E) variant has not been reported in the literature to our knowledge. It was not observed in the large and broad cohorts of the Genome Aggregation Database (PMID: 32461654). The variant has not been reported in ClinVar. Functional studies have not been performed, and in silico predictions of the variant's effect on protein function are inconclusive. The evidence is insufficient to meet ACMG/AMP criteria for classifying the variant as benign or pathogenic. Thus, the clinical significance of this variant is currently uncertain.

NM_000179.3(MSH6):c.694C>G (p.Gln232Glu)

Gene: MSH6 (mutS homolog 6; plus strand). Cytogenetic location: 2p16.3.
Variant type: single nucleotide variant.
Coding change: c.694C>G on transcript NM_000179.3 (MANE Select); coding-DNA position 694, C replaced by G.
Protein change: p.Gln232Glu; replaces glutamine 232 with glutamic acid.
Molecular consequence: missense variant. On other transcripts: 5 prime UTR variant (2).
Genome position (GRCh38, 1-based): chr2:47,798,677, C>G. VCF-style: chr2-47798677-C-G. GRCh37 (hg19) VCF-style: chr2-48025816-C-G.
Other names: c.304C>G, p.Gln102Glu (NM_001281492.2); c.-213C>G (NM_001281493.2, NM_001281494.2); short protein forms Q102E, Q232E.
Identifiers: ClinVar variation 1510444 (VCV001510444.11), dbSNP rs587779318, ClinGen allele CA346739949.